The following is an entry in ClinVar:

NM_000213.5(ITGB4):c.3297C>T (p.Thr1099=)

Gene: ITGB4 (integrin subunit beta 4; plus strand). Cytogenetic location: 17q25.1.
Variant type: single nucleotide variant.
Coding change: c.3297C>T on transcript NM_000213.5 (MANE Select); coding-DNA position 3297, C replaced by T.
Protein change: p.Thr1099=; no amino-acid change (threonine 1099 retained).
Molecular consequence: synonymous variant.
Genome position (GRCh38, 1-based): chr17:75,749,026, C>T. VCF-style: chr17-75749026-C-T. GRCh37 (hg19) VCF-style: chr17-73745107-C-T.
Other names: c.3297C>T, p.Thr1099= (NM_001005619.2, NM_001005731.3, NM_001321123.2).
Identifiers: ClinVar variation 3032265 (VCV003032265.2), dbSNP rs1438840134, ClinGen allele CA501840636.

ClinVar aggregate classification (germline): Likely benign (0 of 4 stars; one submission).

Conditions:
ITGB4-related disorder. Also called: ITGB4-related condition.

Allele frequency attached by ClinVar (database versions not stated): TOPMed below 0.00001.

Submission:

PreventionGenetics, part of Exact Sciences
Classification: Likely benign for ITGB4-related condition. Last evaluated: 2024-01-02. Review status: no assertion criteria provided. Collection method: clinical testing. Allele origin: germline.
Comment: This variant is classified as likely benign based on ACMG/AMP sequence variant interpretation guidelines (Richards et al. 2015 PMID: 25741868, with internal and published modifications).